The following is an entry in ClinVar:

NM_005876.5(SPEG):c.8830A>T (p.Ser2944Cys)

Genes: ASIC4-AS1 (ASIC4 antisense RNA 1; minus strand), SPEG (striated muscle enriched protein kinase; plus strand). Cytogenetic location: 2q35.
Variant type: single nucleotide variant.
Coding change: c.8830A>T on transcript NM_005876.5 (MANE Select); coding-DNA position 8830, A replaced by T.
Protein change: p.Ser2944Cys; replaces serine 2944 with cysteine.
Molecular consequence: missense variant.
Genome position (GRCh38, 1-based): chr2:219,489,848, A>T. VCF-style: chr2-219489848-A-T. GRCh37 (hg19) VCF-style: chr2-220354570-A-T.
Other names: short protein forms S2944C.
Identifiers: ClinVar variation 1306979 (VCV001306979.2), dbSNP rs2125593875, ClinGen allele CA350712974.

ClinVar aggregate classification (germline): Uncertain significance (1 of 4 stars; one submission).

Submission:

GeneDx
Classification: Uncertain significance. Last evaluated: 2019-07-29. Review status: criteria provided, single submitter. Criteria: GeneDx Variant Classification Process June 2021. Collection method: clinical testing. Allele origin: germline. Affected: yes.
Comment: Not observed in large population cohorts (Lek et al., 2016); In silico analysis, which includes protein predictors and evolutionary conservation, supports that this variant does not alter protein structure/function; Has not been previously published as pathogenic or benign to our knowledge